The following is an entry in ClinVar:

ClinVar aggregate classification (germline): Likely pathogenic (1 of 4 stars; one submission).

Conditions:
Mucolipidosis type II. Also called: ML II ALPHA/BETA; Mucolipidosis 2; ML 2; Inclusion cell disease; Leroy Disease; N-acetylglucosamine 1phosphotransferase deficiency. Identifiers: Orphanet 576, MedGen C2673377, MONDO:0009650, OMIM 252500.

Submission:

Foundation for Research in Genetics and Endocrinology, FRIGE's Institute of Human Genetics
Classification: Likely pathogenic for Mucolipidosis type II. Last evaluated: 2023-12-08. Review status: criteria provided, single submitter. Criteria: ACMG Guidelines, 2015. Collection method: clinical testing. Allele origin: germline. Inheritance: Autosomal recessive inheritance. Affected: yes. Observed: 1 compound heterozygote.
Comment: A heterozygous 3’ splice site variant in intron 5 of the GNPTAB gene was detected. The observed variant has not been reported in the 1000 genomes and has a minor allele frequency of 0.0016% in the gnomAD database. The in-silico prediction of the variant is disease causing by MutationTaster2, DANN and SpliceAI. The reference base is conserved across mammals. In summary, the variant meets our criteria to be classified as likely pathogenic.

NM_024312.5(GNPTAB):c.572-2A>G

Gene: GNPTAB (N-acetylglucosamine-1-phosphate transferase subunits alpha and beta; minus strand). Cytogenetic location: 12q23.2.
Variant type: single nucleotide variant.
Coding change: c.572-2A>G on transcript NM_024312.5 (MANE Select); the canonical splice acceptor site of the intron before coding-DNA position 572, A replaced by G.
Molecular consequence: splice acceptor variant.
Genome position (GRCh38, 1-based): chr12:101,780,623, T>C on the plus strand (A>G on the coding strand, the complement: GNPTAB is on the minus strand). VCF-style: chr12-101780623-T-C. GRCh37 (hg19) VCF-style: chr12-102174401-T-C.
Identifiers: ClinVar variation 2664513 (VCV002664513.2), dbSNP rs2547967894, ClinGen allele CA386304764.
Genomic context (GRCh38, chr12:101,780,623, plus strand): 5'-GCCCCTCCATACTGTCTGTCTGCTATTTCCTTTAAGCAGTCCAGAGTGGGCATCTTCAAC[T>C]ACAACCAAGAATACAATAAACAAGCACATTTTTAATGAATACTCAACTATGGTGTCTGGC-3'